The following is an entry in ClinVar:

ClinVar aggregate classification (germline): Conflicting classifications of pathogenicity. Review status: criteria provided, conflicting classifications (1 of 4 stars). 16 submissions from 12 submitters: Uncertain significance (7); Benign (2); Likely benign (4). 3 of the submissions do not count toward it. Last evaluated 2025-12-08.

Conditions:
TTN-related disorder. Also called: TTN-related condition; TTN-related disease; TTN-related disorders.
Autosomal recessive limb-girdle muscular dystrophy type 2J (LGMDR10). Also called: MUSCULAR DYSTROPHY, LIMB-GIRDLE, AUTOSOMAL RECESSIVE 10; Limb-girdle muscular dystrophy, type 2J. Identifiers: Orphanet 140922, MedGen C1837342, MONDO:0012127, OMIM 608807.
Dilated cardiomyopathy 1G (CMD1G). Identifiers: Orphanet 154, MedGen C1858763, MONDO:0011400, OMIM 604145.
Early-onset myopathy with fatal cardiomyopathy (CMYO5). Also called: CONGENITAL MYOPATHY 5 WITH CARDIOMYOPATHY; Salih Myopathy. Identifiers: Orphanet 289377, MedGen C2673677, MONDO:0012714, OMIM 611705. Disease mechanism: loss of function.
Tibial muscular dystrophy (TMD). Also called: Tibial muscular dystrophy, tardive; UDD MYOPATHY; Udd Distal Myopathy – Tibial Muscular Dystrophy. Identifiers: Orphanet 609, MedGen C1838244, MONDO:0010870, OMIM 600334.
Myopathy, myofibrillar, 9, with early respiratory failure (MFM9). Also called: Myopathy, distal, with early respiratory failure, autosomal dominant; EDSTROM MYOPATHY; MYOPATHY, PROXIMAL, WITH EARLY RESPIRATORY MUSCLE INVOLVEMENT; Hereditary myopathy with early respiratory failure. Identifiers: Orphanet 178464, Orphanet 34521, MedGen C1863599, MONDO:0011362, OMIM 603689.

Allele frequency attached by ClinVar (database versions not stated): 1000 Genomes Project 0.00020; gnomAD exomes 0.00021 and 0.00035; gnomAD 0.00025 and 0.00027; TOPMed 0.00025; ExAC 0.00029; 1000 Genomes Project 30x 0.00031; ESP Exome Variant Server 0.00041.
gnomAD v4.1: 544 of 1,606,838 alleles (0.034%); highest among the groups gnomAD compares: Non-Finnish European, 0.043%; no homozygotes.

Submissions (16):

Women's Health and Genetics/Laboratory Corporation of America, LabCorp
Classification: Likely benign. Last evaluated: 2025-12-08. Review status: criteria provided, single submitter. Criteria: LabCorp Variant Classification Summary - May 2015. Collection method: clinical testing. Allele origin: germline.
Comment: Variant summary: TTN c.17060A>G (p.Asn5687Ser) results in a conservative amino acid change located in the I-band region of the encoded protein sequence. Algorithms developed to predict the effect of missense changes on protein structure and function are either unavailable or do not agree on the potential impact of this missense change. The variant allele was found at a frequency of 0.00034 in 1599888 control chromosomes, predominantly at a frequency of 0.00043 within the Non-Finnish European subpopulation in the gnomAD database. The observed variant frequency within Non-Finnish European control individuals in the gnomAD database exceeds the estimated maximal expected allele frequency for disease-causing variants in TTN. c.17060A>G has been observed in an individual affected with distal myopathy (Sevy_2015). These report(s) do not provide unequivocal conclusions about association of the variant with Dilated Cardiomyopathy. Co-occurrences with other pathogenic variants have been reported (LMNA c.725C>T, p.Ala242Val; TTN c.78631C>T, p.Arg26211X; LCA internal data), providing supporting evidence for a benign role. To our knowledge, no experimental evidence demonstrating an impact on protein function has been reported. The following publications have been ascertained in the context of this evaluation (PMID: 32934002, 25783436). ClinVar contains an entry for this variant (Variation ID: 282786). Based on the evidence outlined above, the variant was classified as likely benign.

PreventionGenetics, part of Exact Sciences
Classification: Likely benign for TTN-related condition. Last evaluated: 2025-08-19. Review status: criteria provided, single submitter. Criteria: ACMG Guidelines, 2015. Collection method: clinical testing. Allele origin: germline.
Comment: This variant is classified as likely benign based on ACMG/AMP sequence variant interpretation guidelines (Richards et al. 2015 PMID: 25741868, with internal and published modifications).

Mayo Clinic Laboratories, Mayo Clinic
Classification: Uncertain significance. Last evaluated: 2025-03-31. Review status: criteria provided, single submitter. Criteria: ACMG Guidelines, 2015. Collection method: clinical testing. Allele origin: germline. Observed: 3 variant alleles.

Blueprint Genetics
Classification: Likely benign. Last evaluated: 2024-11-22. Review status: criteria provided, single submitter. Criteria: ACMG Guidelines, 2015. Collection method: clinical testing. Allele origin: germline.

Revvity Omics, Revvity
Classification: Uncertain significance. Last evaluated: 2023-03-31. Review status: criteria provided, single submitter. Criteria: ACMG Guidelines, 2015. Collection method: clinical testing. Allele origin: germline.

GeneDx
Classification: Likely benign. Last evaluated: 2021-03-30. Review status: criteria provided, single submitter. Criteria: GeneDx Variant Classification Process June 2021. Collection method: clinical testing. Allele origin: germline. Affected: yes.
Comment: This variant is associated with the following publications: (PMID: 25783436)

Eurofins Ntd Llc (ga)
Classification: Uncertain significance. Last evaluated: 2018-06-13. Review status: criteria provided, single submitter. Criteria: EGL ClinVar v180209 classification definitions. Collection method: clinical testing. Allele origin: germline. Observed: 9 variant alleles, 9 heterozygotes.

Illumina Laboratory Services, Illumina
Classification: Uncertain significance for Dilated cardiomyopathy 1G. Last evaluated: 2018-01-13. Review status: criteria provided, single submitter. Criteria: ICSL Variant Classification Criteria 13 December 2019. Collection method: clinical testing. Allele origin: germline.

Illumina Laboratory Services, Illumina
Classification: Benign for Tibial muscular dystrophy. Last evaluated: 2018-01-13. Review status: criteria provided, single submitter. Criteria: ICSL Variant Classification Criteria 13 December 2019. Collection method: clinical testing. Allele origin: germline.
Comment: This variant was observed in the ICSL laboratory as part of a predisposition screen in an ostensibly healthy population. It had not been previously curated by ICSL or reported in the Human Gene Mutation Database (HGMD: prior to June 1st, 2018), and was therefore a candidate for classification through an automated scoring system. Utilizing variant allele frequency, disease prevalence and penetrance estimates, and inheritance mode, an automated score was calculated to assess if this variant is too frequent to cause the disease. Based on the score and internal cut-off values, a variant classified as benign is not then subjected to further curation. The score for this variant resulted in a classification of benign for this disease.

Illumina Laboratory Services, Illumina
Classification: Uncertain significance for Early-onset myopathy with fatal cardiomyopathy. Last evaluated: 2018-01-13. Review status: criteria provided, single submitter. Criteria: ICSL Variant Classification Criteria 13 December 2019. Collection method: clinical testing. Allele origin: germline.

Illumina Laboratory Services, Illumina
Classification: Uncertain significance for Autosomal recessive limb-girdle muscular dystrophy type 2J. Last evaluated: 2018-01-13. Review status: criteria provided, single submitter. Criteria: ICSL Variant Classification Criteria 13 December 2019. Collection method: clinical testing. Allele origin: germline.

Illumina Laboratory Services, Illumina
Classification: Benign for Myopathy, myofibrillar, 9, with early respiratory failure. Last evaluated: 2018-01-13. Review status: criteria provided, single submitter. Criteria: ICSL Variant Classification Criteria 13 December 2019. Collection method: clinical testing. Allele origin: germline.
Comment: the same text as in the submission from Illumina Laboratory Services, Illumina above.

Labcorp Genetics (formerly Invitae), Labcorp
Classification: Uncertain significance for Dilated cardiomyopathy 1G; Autosomal recessive limb-girdle muscular dystrophy type 2J. Last evaluated: 2017-06-16. Review status: criteria provided, single submitter. Criteria: Invitae Variant Classification Sherloc (09022015). Collection method: clinical testing. Allele origin: germline.

Clinical Genetics DNA and cytogenetics Diagnostics Lab, Erasmus MC, Erasmus Medical Center
Classification: Likely benign. Review status: no assertion criteria provided. Collection method: clinical testing. Allele origin: germline. Affected: yes. Study: VKGL Data-share Consensus. Not counted in ClinVar's aggregate classification.

Diagnostic Laboratory, Department of Genetics, University Medical Center Groningen
Classification: Likely benign. Review status: no assertion criteria provided. Collection method: clinical testing. Allele origin: germline. Affected: yes. Study: VKGL Data-share Consensus. Not counted in ClinVar's aggregate classification.

Joint Genome Diagnostic Labs from Nijmegen and Maastricht, Radboudumc and MUMC+
Classification: Likely benign. Review status: no assertion criteria provided. Collection method: clinical testing. Allele origin: germline. Affected: yes. Study: VKGL Data-share Consensus. Not counted in ClinVar's aggregate classification.

Literature cited by the submitters: PubMed 32934002 (cited by Women's Health and Genetics/Laboratory Corporation of America, LabCorp and Mayo Clinic Laboratories, Mayo Clinic); PubMed 25783436 (cited by 3 submitters).

NM_001267550.2(TTN):c.20792A>G (p.Asn6931Ser)

Gene: TTN (titin; minus strand). Cytogenetic location: 2q31.2.
Variant type: single nucleotide variant.
Coding change: c.20792A>G on transcript NM_001267550.2 (MANE Select); coding-DNA position 20792, A replaced by G.
Protein change: p.Asn6931Ser; replaces asparagine 6931 with serine.
Molecular consequence: missense variant. On other transcripts: intron variant (3).
Genome position (GRCh38, 1-based): chr2:178,725,412, T>C on the plus strand (A>G on the coding strand, the complement: TTN is on the minus strand). VCF-style: chr2-178725412-T-C. GRCh37 (hg19) VCF-style: chr2-179590139-T-C.
Other names: p.Asn6614Ser; c.19841A>G, p.Asn6614Ser (NM_001256850.1); c.17060A>G, p.Asn5687Ser (NM_133378.4); c.13282+12670A>G (NM_003319.4); c.13858+12670A>G (NM_133437.4); c.13657+12670A>G (NM_133432.3); short protein forms N5687S, N6614S, N6931S.
Identifiers: ClinVar variation 282786 (VCV000282786.31), dbSNP rs200866883, ClinGen allele CA2001156.